The following is an entry in ClinVar:

ClinVar aggregate classification (germline): Uncertain significance. Review status: criteria provided, multiple submitters, no conflicts (2 of 4 stars). 3 submissions from 3 submitters: Uncertain significance (3). Last evaluated 2024-09-05.

Conditions:
Familial thoracic aortic aneurysm and aortic dissection (TAAD). Also called: Thoracic aortic aneurysms and dissections. Identifiers: Orphanet 91387, MedGen C4707243, MONDO:0019625.

Allele frequency attached by ClinVar (database versions not stated): gnomAD 0.00001; TOPMed 0.00002.
gnomAD v4.1: 6 of 1,613,926 alleles (0.00037%); highest among the groups gnomAD compares: African/African-American, 0.0013%; no homozygotes.

Submissions (3):

Ambry Genetics
Classification: Uncertain significance for Familial thoracic aortic aneurysm and aortic dissection. Last evaluated: 2024-09-05. Review status: criteria provided, single submitter. Criteria: Ambry Variant Classification Scheme 2023. Collection method: clinical testing. Allele origin: germline.
Comment: The p.T70M variant (also known as c.209C>T), located in coding exon 1 of the MYH11 gene, results from a C to T substitution at nucleotide position 209. The threonine at codon 70 is replaced by methionine, an amino acid with similar properties. This amino acid position is well conserved in available vertebrate species. In addition, the in silico prediction for this alteration is inconclusive. Based on the available evidence, the clinical significance of this variant remains unclear.

Color Diagnostics, LLC DBA Color Health
Classification: Uncertain significance for Familial thoracic aortic aneurysm and aortic dissection. Last evaluated: 2024-03-06. Review status: criteria provided, single submitter. Criteria: ACMG Guidelines, 2015. Collection method: clinical testing. Allele origin: germline.
Comment: This missense variant replaces threonine with methionine at codon 70 of the MYH11 protein. Computational prediction suggests that this variant may not impact protein structure and function (internally defined REVEL score threshold <= 0.5, PMID: 27666373). Splice site prediction tools suggest that this variant may not impact RNA splicing. To our knowledge, functional studies have not been performed for this variant. This variant has not been reported in individuals affected with cardiovascular disorders in the literature. This variant has not been identified in the general population by the Genome Aggregation Database (gnomAD). The available evidence is insufficient to determine the role of this variant in disease conclusively. Therefore, this variant is classified as a Variant of Uncertain Significance.

All of Us Research Program, National Institutes of Health
Classification: Uncertain significance for Familial thoracic aortic aneurysm and aortic dissection. Last evaluated: 2023-03-28. Review status: criteria provided, single submitter. Criteria: ACMG Guidelines, 2015. Collection method: clinical testing. Allele origin: germline. Inheritance: Autosomal dominant inheritance. Observed: 1 variant allele, 1 heterozygote.
Comment: This missense variant replaces threonine with methionine at codon 70 of the MYH11 protein. Computational prediction suggests that this variant may not impact protein structure and function (internally defined REVEL score threshold <= 0.5, PMID: 27666373). Splice site prediction tools suggest that this variant may not impact RNA splicing. To our knowledge, functional studies have not been performed for this variant. This variant has not been reported in individuals affected with cardiovascular disorders in the literature. This variant has not been identified in the general population by the Genome Aggregation Database (gnomAD). The available evidence is insufficient to determine the role of this variant in disease conclusively. Therefore, this variant is classified as a Variant of Uncertain Significance.

This study involves interpretation of variants in research participants for the purpose of population health screening. Participant phenotype was not available at the time of variant classification. Additional details can be found in publication PMID: 35346344, PMCID: PMC8962531

NM_002474.3(MYH11):c.209C>T (p.Thr70Met)

Gene: MYH11 (myosin heavy chain 11; minus strand). Cytogenetic location: 16p13.11.
Variant type: single nucleotide variant.
Coding change: c.209C>T on transcript NM_002474.3 (MANE Select); coding-DNA position 209, C replaced by T.
Protein change: p.Thr70Met; replaces threonine 70 with methionine.
Molecular consequence: missense variant.
Genome position (GRCh38, 1-based): chr16:15,838,044, G>A on the plus strand (C>T on the coding strand, the complement: MYH11 is on the minus strand). VCF-style: chr16-15838044-G-A. GRCh37 (hg19) VCF-style: chr16-15931901-G-A.
Other names: c.209C>T, p.Thr70Met (NM_001040113.2, NM_001040114.2, NM_022844.3); c.209C>T (NM_002474.2); short protein forms T70M.
Identifiers: ClinVar variation 922909 (VCV000922909.6), dbSNP rs1222746393, ClinGen allele CA395198437.
Genomic context (GRCh38, chr16:15,838,044, plus strand): 5'-ATGTCCTCCACCTTGGAGAACTTGGGTGGGTTCATCTTCTGGATGTCATCTTTCCCAACC[G>A]TGACCTTCTTGCCATTCTCCACCAGCTCCACAACCACCTCATCCCCCTTCTCCTCCTTAA-3'
Protein context (NP_002465.1, residues 60-80): VELVENGKKV[Thr70Met]VGKDDIQKMN